The following is an entry in ClinVar:

NM_000180.4(GUCY2D):c.2957C>T (p.Ala986Val)

Gene: GUCY2D (guanylate cyclase 2D, retinal; plus strand). Cytogenetic location: 17p13.1.
Variant type: single nucleotide variant.
Coding change: c.2957C>T on transcript NM_000180.4 (MANE Select); coding-DNA position 2957, C replaced by T.
Protein change: p.Ala986Val; replaces alanine 986 with valine.
Molecular consequence: missense variant.
Genome position (GRCh38, 1-based): chr17:8,015,755, C>T. VCF-style: chr17-8015755-C-T. GRCh37 (hg19) VCF-style: chr17-7919073-C-T.
Other names: short protein forms A986V.
Identifiers: ClinVar variation 4855938 (VCV004855938.1).
Genomic context (GRCh38, chr17:8,015,755, plus strand): 5'-GCCCAGGGCCGGCCCTGCTAGCCCCGCCGACCCCCAGCATCTCCACAGGTCCATGCGTGG[C>T]AGGCGTGGTGGGCCTCACCATGCCGCGGTACTGCCTGTTTGGGGACACGGTCAACACCGC-3'
Protein context (NP_000171.1, residues 976-996): RIGLHSGPCV[Ala986Val]GVVGLTMPRY

ClinVar aggregate classification (germline): Uncertain significance (1 of 4 stars; one submission).

Conditions:
Leber congenital amaurosis 1 (LCA1). Also called: Congenital absence of the rods and cones; Leber's congenital tapetoretinal degeneration; Leber's congenital tapetoretinal dysplasia; RETINAL BLINDNESS, CONGENITAL; AMAUROSIS CONGENITA OF LEBER I. Identifiers: Orphanet 65, MedGen C2931258, MONDO:0008764, OMIM 204000.

gnomAD v4.1: 1 of 1,609,278 alleles (0.000062%); highest among the groups gnomAD compares: Admixed American, 0.0017%; no homozygotes.

Submission:

3billion
Classification: Uncertain significance for Leber congenital amaurosis 1. Last evaluated: 2025-12-10. Review status: criteria provided, single submitter. Criteria: ACMG Guidelines, 2015. Collection method: clinical testing. Allele origin: germline. Affected: yes.
Comment: The variant is observed at an extremely low frequency in the gnomAD v4.1.0 dataset (total allele frequency: <0.001%). Predicted Consequence/Location: Missense variant In silico tool predictions suggest damaging effect of the variant on gene or gene product [REVEL: 0.90 (>=0.6, sensitivity 0.68 and specificity 0.92); 3Cnet: 0.95 (> 0.75, sensitivity 0.96 and precision 0.92)]. Therefore, this variant is classified as VUS according to the recommendation of ACMG/AMP guideline.